The following is an entry in ClinVar:

ClinVar aggregate classification (germline): Uncertain significance (1 of 4 stars; one submission).

gnomAD v4.1: 3 of 1,613,756 alleles (0.00019%); highest among the groups gnomAD compares: South Asian, 0.0011%; no homozygotes.

Submission:

GeneDx
Classification: Uncertain significance. Last evaluated: 2023-10-26. Review status: criteria provided, single submitter. Criteria: GeneDx Variant Classification Process June 2021. Collection method: clinical testing. Allele origin: germline. Affected: yes.
Comment: Not observed at significant frequency in large population cohorts (gnomAD); In silico analysis supports that this missense variant has a deleterious effect on protein structure/function; In addition, in silico analysis suggests this variant may impact gene splicing. In the absence of RNA/functional studies, the actual effect of this sequence change is unknown.; Has not been previously published as pathogenic or benign to our knowledge

NM_014014.5(SNRNP200):c.3097G>A (p.Glu1033Lys)

Gene: SNRNP200 (small nuclear ribonucleoprotein U5 subunit 200; minus strand). Cytogenetic location: 2q11.2.
Variant type: single nucleotide variant.
Coding change: c.3097G>A on transcript NM_014014.5 (MANE Select); coding-DNA position 3097, G replaced by A.
Protein change: p.Glu1033Lys; replaces glutamic acid 1033 with lysine.
Molecular consequence: missense variant.
Genome position (GRCh38, 1-based): chr2:96,289,114, C>T on the plus strand (G>A on the coding strand, the complement: SNRNP200 is on the minus strand). VCF-style: chr2-96289114-C-T. GRCh37 (hg19) VCF-style: chr2-96954852-C-T.
Other names: short protein forms E1033K.
Identifiers: ClinVar variation 3363642 (VCV003363642.1).
Genomic context (GRCh38, chr2:96,289,114, plus strand): 5'-CAATGCTCTCCTTTACAGGGATAGGCACCCTCTCCAGCAACTTCTGCAGCTCCAGCTTCT[C>T]CTCCTGCCACAAGGAGGAAAAGGTCAAGGGAAAGCCTTGTGGCCGAGGAGGGACACCATT-3'
Protein context (NP_054733.2, residues 1023-1043): EFKNITVREE[Glu1033Lys]KLELQKLLER